The following is an entry in ClinVar:

ClinVar aggregate classification (germline): Conflicting classifications of pathogenicity. Review status: criteria provided, conflicting classifications (1 of 4 stars). 6 submissions from 6 submitters: Uncertain significance (3); Likely benign (2). 1 of the submissions does not count toward it. Last evaluated 2025-09-29.

Conditions:
Cardiomyopathy (CMYO). Also called: Cardiomyopathies. Identifiers: Orphanet 167848, MedGen C0878544, MONDO:0004994, HP:0001638. Inheritance: Various modes of inheritance.
Arrhythmogenic right ventricular dysplasia 8 (ARVD8). Also called: Arrhythmogenic Right Ventricular Dysplasia/Cardiomyopathy 8; ARRHYTHMOGENIC RIGHT VENTRICULAR DYSPLASIA, FAMILIAL, 8; ARRHYTHMOGENIC RIGHT VENTRICULAR CARDIOMYOPATHY 8. Identifiers: MedGen C1843896, MONDO:0011831, OMIM 607450.
Arrhythmogenic cardiomyopathy with wooly hair and keratoderma. Also called: PALMOPLANTAR KERATODERMA WITH LEFT VENTRICULAR CARDIOMYOPATHY AND WOOLLY HAIR; Dilated cardiomyopathy with woolly hair and keratoderma; Arrhythmogenic cardiomyopathy with woolly hair and keratoderma; Carvajal syndrome. Identifiers: Orphanet 65282, MedGen C1854063, MONDO:0011581, OMIM 605676.
Dilated cardiomyopathy 1S (CMD1S). Identifiers: Orphanet 154, Orphanet 54260, MedGen C1834481, MONDO:0013262, OMIM 613426.
Cardiovascular phenotype. Identifiers: MedGen CN230736.

Allele frequency attached by ClinVar (database versions not stated): ESP Exome Variant Server 0.00008; gnomAD 0.00001; gnomAD exomes 0.00001; TOPMed 0.00002; ExAC 0.00004.
gnomAD v4.1: 20 of 1,572,120 alleles (0.0013%); highest among the groups gnomAD compares: Admixed American, 0.0055%; no homozygotes.

Submissions (6):

Labcorp Genetics (formerly Invitae), Labcorp
Classification: Likely benign for Arrhythmogenic cardiomyopathy with wooly hair and keratoderma; Arrhythmogenic right ventricular dysplasia 8. Last evaluated: 2025-09-29. Review status: criteria provided, single submitter. Criteria: Invitae Variant Classification Sherloc (09022015). Collection method: clinical testing. Allele origin: germline.

Mayo Clinic Laboratories, Mayo Clinic
Classification: Uncertain significance. Last evaluated: 2025-07-02. Review status: criteria provided, single submitter. Criteria: ACMG Guidelines, 2015. Collection method: clinical testing. Allele origin: germline. Observed: 1 variant allele.
Comment: BP4_moderate, PM2_supporting

Ambry Genetics
Classification: Likely benign for Cardiovascular phenotype. Last evaluated: 2025-05-03. Review status: criteria provided, single submitter. Criteria: Ambry Variant Classification Scheme 2023. Collection method: clinical testing. Allele origin: germline.

All of Us Research Program, National Institutes of Health
Classification: Uncertain significance for Arrhythmogenic cardiomyopathy with wooly hair and keratoderma. Last evaluated: 2023-12-13. Review status: criteria provided, single submitter. Criteria: ACMG Guidelines, 2015. Collection method: clinical testing. Allele origin: germline. Inheritance: Autosomal dominant inheritance. Observed: 4 variant alleles, 4 heterozygotes.
Comment: This missense variant replaces glycine with serine at codon 46 of the DSP protein. Computational prediction suggests that this variant may not impact protein structure and function (internally defined REVEL score threshold <= 0.5, PMID: 27666373). To our knowledge, functional studies have not been reported for this variant. This variant has not been reported in individuals affected with cardiovascular disorders in the literature. This variant has been identified in 3/206056 chromosomes in the general population by the Genome Aggregation Database (gnomAD). The available evidence is insufficient to determine the role of this variant in disease conclusively. Therefore, this variant is classified as a Variant of Uncertain Significance.

This study involves interpretation of variants in research participants for the purpose of population health screening. Participant phenotype was not available at the time of variant classification. Additional details can be found in publication PMID: 35346344, PMCID: PMC8962531

Color Diagnostics, LLC DBA Color Health
Classification: Uncertain significance for Cardiomyopathy. Last evaluated: 2023-01-27. Review status: criteria provided, single submitter. Criteria: ACMG Guidelines, 2015. Collection method: clinical testing. Allele origin: germline.
Comment: This missense variant replaces glycine with serine at codon 46 of the DSP protein. Computational prediction suggests that this variant may not impact protein structure and function (internally defined REVEL score threshold <= 0.5, PMID: 27666373). To our knowledge, functional studies have not been reported for this variant. This variant has not been reported in individuals affected with cardiovascular disorders in the literature. This variant has been identified in 3/206056 chromosomes in the general population by the Genome Aggregation Database (gnomAD). The available evidence is insufficient to determine the role of this variant in disease conclusively. Therefore, this variant is classified as a Variant of Uncertain Significance.

Institut für Laboratoriums- und Transfusionsmedizin, Herz- und Diabeteszentrum Nordrhein-Westfalen
Classification: Uncertain significance for Dilated cardiomyopathy 1S. Last evaluated: 2016-05-01. Review status: no assertion criteria provided. Collection method: clinical testing. Allele origin: inherited. Affected: no. Observed: 2 variant alleles. Not counted in ClinVar's aggregate classification.

Literature cited by the submitters: PubMed 29253866 (cited by Ambry Genetics).

NM_004415.4(DSP):c.136G>A (p.Gly46Ser)

Genes: DSP-AS1 (DSP antisense RNA 1; minus strand), DSP (desmoplakin; plus strand). Cytogenetic location: 6p24.3.
Variant type: single nucleotide variant.
Coding change: c.136G>A on transcript NM_004415.4 (MANE Select); coding-DNA position 136, G replaced by A.
Protein change: p.Gly46Ser; replaces glycine 46 with serine.
Molecular consequence: missense variant.
Genome position (GRCh38, 1-based): chr6:7,542,051, G>A. VCF-style: chr6-7542051-G-A. GRCh37 (hg19) VCF-style: chr6-7542284-G-A.
Other names: p.Gly46Ser; c.136G>A (LRG_423t1); c.136G>A, p.Gly46Ser (NM_001008844.3, NM_001319034.2); short protein forms G46S.
Identifiers: ClinVar variation 265819 (VCV000265819.20), dbSNP rs371517189, ClinGen allele CA027768.
Genomic context (GRCh38, chr6:7,542,051, plus strand): 5'-CTGCGCTACGAGGTGACCAGCGGCGGCGGGGGCACCAGCAGGATGTACTATTCTCGGCGC[G>A]GCGTGATCACCGACCAGAACTCGGACGGCTACTGGTGGGTACCTGCCCGGAGAGCGCGGG-3'
Protein context (NP_004406.2, residues 36-56): GTSRMYYSRR[Gly46Ser]VITDQNSDGY